The following is an entry in ClinVar:

NM_006214.4(PHYH):c.760G>A (p.Asp254Asn)

Gene: PHYH (phytanoyl-CoA 2-hydroxylase; minus strand). Cytogenetic location: 10p13.
Variant type: single nucleotide variant.
Coding change: c.760G>A on transcript NM_006214.4 (MANE Select); coding-DNA position 760, G replaced by A.
Protein change: p.Asp254Asn; replaces aspartic acid 254 with asparagine.
Molecular consequence: missense variant.
Genome position (GRCh38, 1-based): chr10:13,283,758, C>T on the plus strand (G>A on the coding strand, the complement: PHYH is on the minus strand). VCF-style: chr10-13283758-C-T. GRCh37 (hg19) VCF-style: chr10-13325758-C-T.
Other names: c.460G>A, p.Asp154Asn (NM_001037537.2, NM_001323080.2); c.766G>A, p.Asp256Asn (NM_001323082.2); c.496G>A, p.Asp166Asn (NM_001323083.2); c.466G>A, p.Asp156Asn (NM_001323084.2); short protein forms D156N, D154N, D166N, D256N, D254N.
Identifiers: ClinVar variation 942416 (VCV000942416.8), dbSNP rs139329047, ClinGen allele CA5412243.
Genomic context (GRCh38, chr10:13,283,758, plus strand): 5'-ATCCCTGGGTTTTATTCTGACCAGATCCGTGGATGAGCAAAGGATGGAAGAAAACAGTGT[C>T]GCCCTTCTCCATCACCAGGTGCACCCGGGCCTTGTTTTCCTCGTAGTCCTGGATCCCGTG-3'
Protein context (NP_006205.1, residues 244-264): ARVHLVMEKG[Asp254Asn]TVFFHPLLIH

ClinVar aggregate classification (germline): Uncertain significance. Review status: criteria provided, multiple submitters, no conflicts (2 of 4 stars). 2 submissions from 2 submitters: Uncertain significance (2). Last evaluated 2024-12-02.

Allele frequency attached by ClinVar (database versions not stated): gnomAD exomes 0.00008; ExAC 0.00014; TOPMed 0.00037; ESP Exome Variant Server 0.00038; 1000 Genomes Project 0.00060; 1000 Genomes Project 30x 0.00125.

Submissions (2):

Labcorp Genetics (formerly Invitae), Labcorp
Classification: Uncertain significance. Last evaluated: 2024-12-02. Review status: criteria provided, single submitter. Criteria: Invitae Variant Classification Sherloc (09022015). Collection method: clinical testing. Allele origin: germline.
Comment: This sequence change replaces aspartic acid, which is acidic and polar, with asparagine, which is neutral and polar, at codon 254 of the PHYH protein (p.Asp254Asn). This variant is present in population databases (rs139329047, gnomAD 0.1%). This variant has not been reported in the literature in individuals affected with PHYH-related conditions. ClinVar contains an entry for this variant (Variation ID: 942416). Invitae Evidence Modeling of protein sequence and biophysical properties (such as structural, functional, and spatial information, amino acid conservation, physicochemical variation, residue mobility, and thermodynamic stability) indicates that this missense variant is expected to disrupt PHYH protein function with a positive predictive value of 80%. In summary, the available evidence is currently insufficient to determine the role of this variant in disease. Therefore, it has been classified as a Variant of Uncertain Significance.

Blueprint Genetics
Classification: Uncertain significance. Last evaluated: 2024-09-03. Review status: criteria provided, single submitter. Criteria: ACMG Guidelines, 2015. Collection method: clinical testing. Allele origin: germline.